The following is an entry in ClinVar:

ClinVar aggregate classification (germline): Uncertain significance (1 of 4 stars; one submission).

Conditions:
Primary dilated cardiomyopathy (DCM). Also called: Dilated Cardiomyopathy. Identifiers: Orphanet 217604, MedGen C0007193, MeSH D002311, MONDO:0005021, HP:0001644. Inheritance: Various modes of inheritance.

Submission:

Labcorp Genetics (formerly Invitae), Labcorp
Classification: Uncertain significance for Primary dilated cardiomyopathy. Last evaluated: 2025-10-10. Review status: criteria provided, single submitter. Criteria: Invitae Variant Classification Sherloc (09022015). Collection method: clinical testing. Allele origin: germline.
Comment: This sequence change replaces aspartic acid, which is acidic and polar, with glycine, which is neutral and non-polar, at codon 971 of the NEBL protein (p.Asp971Gly). This variant is not present in population databases (gnomAD no frequency). This variant has not been reported in the literature in individuals affected with NEBL-related conditions. An algorithm developed to predict the effect of missense changes on protein structure and function (PolyPhen-2) suggests that this variant is likely to be disruptive. In summary, the available evidence is currently insufficient to determine the role of this variant in disease. Therefore, it has been classified as a Variant of Uncertain Significance.

NM_006393.3(NEBL):c.2912A>G (p.Asp971Gly)

Gene: NEBL (nebulette; minus strand). Cytogenetic location: 10p12.31.
Variant type: single nucleotide variant.
Coding change: c.2912A>G on transcript NM_006393.3 (MANE Select); coding-DNA position 2912, A replaced by G.
Protein change: p.Asp971Gly; replaces aspartic acid 971 with glycine.
Molecular consequence: missense variant. On other transcripts: 3 prime UTR variant (1).
Genome position (GRCh38, 1-based): chr10:20,785,880, T>C on the plus strand (A>G on the coding strand, the complement: NEBL is on the minus strand). VCF-style: chr10-20785880-T-C. GRCh37 (hg19) VCF-style: chr10-21074809-T-C.
Other names: c.*3A>G (NM_001173484.2); c.773A>G, p.Asp258Gly (NM_001377322.1); c.632A>G, p.Asp211Gly (NM_001377323.1); c.623A>G, p.Asp208Gly (NM_001377324.1); c.614A>G, p.Asp205Gly (NM_001377325.1); c.572A>G, p.Asp191Gly (NM_001377326.1, NM_001377327.1, NM_001377328.1); c.680A>G, p.Asp227Gly (NM_213569.2); short protein forms D258G, D205G, D211G, D208G, D971G, D191G, D227G.
Identifiers: ClinVar variation 4727981 (VCV004727981.1).
Genomic context (GRCh38, chr10:20,785,880, plus strand): 5'-CAGCCATCGTCAATAGGCTGCACGTTGACGATGTAGTCGCCGTCTCTAAAGGAGACCTCG[T>C]CTTCATCCTGGGCACTGTAATCGTACATGGCTCGGTAGGTCCTCTGAGAAAGGAAGAAGG-3'
Protein context (NP_006384.1, residues 961-981): AMYDYSAQDE[Asp971Gly]EVSFRDGDYI